The following is an entry in ClinVar:

NM_000836.4(GRIN2D):c.440G>A (p.Gly147Asp)

Genes: GRIN2D (glutamate ionotropic receptor NMDA type subunit 2D; plus strand), LOC130064856 (ATAC-STARR-seq lymphoblastoid silent region 10880; plus strand). Cytogenetic location: 19q13.33.
Variant type: single nucleotide variant.
Coding change: c.440G>A on transcript NM_000836.4 (MANE Select); coding-DNA position 440, G replaced by A.
Protein change: p.Gly147Asp; replaces glycine 147 with aspartic acid.
Molecular consequence: missense variant.
Genome position (GRCh38, 1-based): chr19:48,398,832, G>A. VCF-style: chr19-48398832-G-A. GRCh37 (hg19) VCF-style: chr19-48902089-G-A.
Other names: short protein forms G147D.
Identifiers: ClinVar variation 2124198 (VCV002124198.4), dbSNP rs1970675297, ClinGen allele CA406689228.

ClinVar aggregate classification (germline): Uncertain significance (1 of 4 stars; one submission).

Allele frequency attached by ClinVar (database versions not stated): TOPMed below 0.00001.

Submission:

Labcorp Genetics (formerly Invitae), Labcorp
Classification: Uncertain significance. Last evaluated: 2025-06-10. Review status: criteria provided, single submitter. Criteria: Invitae Variant Classification Sherloc (09022015). Collection method: clinical testing. Allele origin: germline.
Comment: This sequence change replaces glycine, which is neutral and non-polar, with aspartic acid, which is acidic and polar, at codon 147 of the GRIN2D protein (p.Gly147Asp). This variant is not present in population databases (gnomAD no frequency). This variant has not been reported in the literature in individuals affected with GRIN2D-related conditions. ClinVar contains an entry for this variant (Variation ID: 2124198). Invitae Evidence Modeling of protein sequence and biophysical properties (such as structural, functional, and spatial information, amino acid conservation, physicochemical variation, residue mobility, and thermodynamic stability) indicates that this missense variant is not expected to disrupt GRIN2D protein function with a negative predictive value of 80%. In summary, the available evidence is currently insufficient to determine the role of this variant in disease. Therefore, it has been classified as a Variant of Uncertain Significance.